The following is an entry in ClinVar:

ClinVar aggregate classification (germline): Uncertain significance. Review status: criteria provided, multiple submitters, no conflicts (2 of 4 stars). 2 submissions from 2 submitters: Uncertain significance (2). Last evaluated 2021-12-21.

Conditions:
Niemann-Pick disease, type C2 (NPC2). Identifiers: Orphanet 646, MedGen C1843366, MONDO:0011873, OMIM 607625.

Allele frequency attached by ClinVar (database versions not stated): gnomAD exomes below 0.00001.

Submissions (2):

Labcorp Genetics (formerly Invitae), Labcorp
Classification: Uncertain significance for Niemann-Pick disease, type C2. Last evaluated: 2021-12-21. Review status: criteria provided, single submitter. Criteria: Invitae Variant Classification Sherloc (09022015). Collection method: clinical testing. Allele origin: germline.
Comment: This sequence change replaces proline, which is neutral and non-polar, with serine, which is neutral and polar, at codon 88 of the NPC2 protein (p.Pro88Ser). This variant is not present in population databases (gnomAD no frequency). This variant has not been reported in the literature in individuals affected with NPC2-related conditions. ClinVar contains an entry for this variant (Variation ID: 1303422). Algorithms developed to predict the effect of missense changes on protein structure and function (SIFT, PolyPhen-2, Align-GVGD) all suggest that this variant is likely to be tolerated. In summary, the available evidence is currently insufficient to determine the role of this variant in disease. Therefore, it has been classified as a Variant of Uncertain Significance.

GeneDx
Classification: Uncertain significance. Last evaluated: 2019-08-13. Review status: criteria provided, single submitter. Criteria: GeneDx Variant Classification Process June 2021. Collection method: clinical testing. Allele origin: germline. Affected: yes.
Comment: Not observed in large population cohorts (Lek et al., 2016); In silico analysis, which includes protein predictors and evolutionary conservation, supports a deleterious effect; Has not been previously published as pathogenic or benign to our knowledge

NM_006432.5(NPC2):c.262C>T (p.Pro88Ser)

Gene: NPC2 (NPC intracellular cholesterol transporter 2; minus strand). Cytogenetic location: 14q24.3.
Variant type: single nucleotide variant.
Coding change: c.262C>T on transcript NM_006432.5 (MANE Select); coding-DNA position 262, C replaced by T.
Protein change: p.Pro88Ser; replaces proline 88 with serine.
Molecular consequence: missense variant.
Genome position (GRCh38, 1-based): chr14:74,484,516, G>A on the plus strand (C>T on the coding strand, the complement: NPC2 is on the minus strand). VCF-style: chr14-74484516-G-A. GRCh37 (hg19) VCF-style: chr14-74951219-G-A.
Other names: c.262C>T, p.Pro88Ser (NM_001363688.1, NM_001375440.1); short protein forms P88S.
Identifiers: ClinVar variation 1303422 (VCV001303422.7), dbSNP rs2139668049, ClinGen allele CA390532463.